The following is an entry in ClinVar:

ClinVar aggregate classification (germline): Uncertain significance. Review status: criteria provided, multiple submitters, no conflicts (2 of 4 stars). 3 submissions from 3 submitters: Uncertain significance (2). 1 of the submissions does not count toward it. Last evaluated 2025-03-20.

Conditions:
PLXNA2-related disorder. Also called: PLXNA2-related condition.

Allele frequency attached by ClinVar (database versions not stated): gnomAD 0.00006; TOPMed 0.00007; ExAC 0.00009; ESP Exome Variant Server 0.00015; gnomAD exomes 0.00015.
gnomAD v4.1: 222 of 1,611,670 alleles (0.014%); highest among the groups gnomAD compares: Non-Finnish European, 0.018%; no homozygotes.

Submissions (3):

Ambry Genetics
Classification: Uncertain significance. Last evaluated: 2025-03-20. Review status: criteria provided, single submitter. Criteria: Ambry Variant Classification Scheme 2023. Collection method: clinical testing. Allele origin: germline.

Labcorp Genetics (formerly Invitae), Labcorp
Classification: Uncertain significance. Last evaluated: 2023-02-16. Review status: criteria provided, single submitter. Criteria: Invitae Variant Classification Sherloc (09022015). Collection method: clinical testing. Allele origin: germline.
Comment: In summary, the available evidence is currently insufficient to determine the role of this variant in disease. Therefore, it has been classified as a Variant of Uncertain Significance. Advanced modeling of protein sequence and biophysical properties (such as structural, functional, and spatial information, amino acid conservation, physicochemical variation, residue mobility, and thermodynamic stability) performed at Invitae indicates that this missense variant is not expected to disrupt PLXNA2 protein function. This variant has not been reported in the literature in individuals affected with PLXNA2-related conditions. This variant is present in population databases (rs143028527, gnomAD 0.01%). This sequence change replaces arginine, which is basic and polar, with tryptophan, which is neutral and slightly polar, at codon 302 of the PLXNA2 protein (p.Arg302Trp).

PreventionGenetics, part of Exact Sciences
Classification: Uncertain significance for PLXNA2-related condition. Last evaluated: 2024-08-05. Review status: no assertion criteria provided. Collection method: clinical testing. Allele origin: germline. Not counted in ClinVar's aggregate classification.
Comment: The PLXNA2 c.904C>T variant is predicted to result in the amino acid substitution p.Arg302Trp. To our knowledge, this variant has not been reported in the literature. This variant is reported in 0.012% of alleles in individuals of European (Non-Finnish) descent in gnomAD. At this time, the clinical significance of this variant is uncertain due to the absence of conclusive functional and genetic evidence.

NM_025179.4(PLXNA2):c.904C>T (p.Arg302Trp)

Gene: PLXNA2 (plexin A2; minus strand). Cytogenetic location: 1q32.2.
Variant type: single nucleotide variant.
Coding change: c.904C>T on transcript NM_025179.4 (MANE Select); coding-DNA position 904, C replaced by T.
Protein change: p.Arg302Trp; replaces arginine 302 with tryptophan.
Molecular consequence: missense variant.
Genome position (GRCh38, 1-based): chr1:208,217,019, G>A on the plus strand (C>T on the coding strand, the complement: PLXNA2 is on the minus strand). VCF-style: chr1-208217019-G-A. GRCh37 (hg19) VCF-style: chr1-208390364-G-A.
Other names: c.904C>T (NM_025179.3); short protein forms R302W.
Identifiers: ClinVar variation 2737688 (VCV002737688.6), dbSNP rs143028527, ClinGen allele CA1374009.